The following is an entry in ClinVar:

NM_001394062.1(MACF1):c.18774+7A>G

Gene: MACF1 (microtubule actin crosslinking factor 1; plus strand). Cytogenetic location: 1p34.3.
Variant type: single nucleotide variant.
Coding change: c.18774+7A>G on transcript NM_001394062.1 (MANE Select); 7 bases into the intron after coding-DNA position 18774, A replaced by G.
Molecular consequence: intron variant.
Genome position (GRCh38, 1-based): chr1:39,442,060, A>G. VCF-style: chr1-39442060-A-G. GRCh37 (hg19) VCF-style: chr1-39907732-A-G.
Other names: c.12597+7A>G (NM_012090.5); c.6852+7A>G (NM_001397473.1).
Identifiers: ClinVar variation 3024670 (VCV003024670.22), dbSNP rs142320151, ClinGen allele CA783959.
Genomic context (GRCh38, chr1:39,442,060, plus strand): 5'-CCCCCTGTTGGCACTGACCTCAATACTGTTAAAGATCAGTTAAATGAAATGAAGGTTTGT[A>G]TCTGGGTATGGCTTTTGAAGAAGAATTGTTTTATTATAGTTTTTAAAGGCTTGATTTGAT-3'

ClinVar aggregate classification (germline): Benign (1 of 4 stars; one submission).

Allele frequency attached by ClinVar (database versions not stated): ESP Exome Variant Server 0.00008; gnomAD exomes 0.00015; TOPMed 0.00016; gnomAD 0.00017; ExAC 0.00024; 1000 Genomes Project 30x 0.00031; 1000 Genomes Project 0.00040.
gnomAD v4.1: 252 of 1,608,814 alleles (0.016%); highest among the groups gnomAD compares: East Asian, 0.19%; no homozygotes.

Submission:

CeGaT Center for Human Genetics Tuebingen
Classification: Benign. Last evaluated: 2024-01-01. Review status: criteria provided, single submitter. Criteria: CeGaT Center For Human Genetics Tuebingen Variant Classification Criteria Version 2. Collection method: clinical testing. Allele origin: germline. Affected: yes. Observed: 1 variant allele.
Comment: MACF1: BS1, BS2